The following is an entry in ClinVar:

ClinVar aggregate classification (germline): Pathogenic/Likely pathogenic. Review status: criteria provided, multiple submitters, no conflicts (2 of 4 stars). 3 submissions from 3 submitters: Pathogenic (1); Likely pathogenic (2). Last evaluated 2024-05-21.

Conditions:
Hereditary cancer-predisposing syndrome. Also called: Hereditary Cancer Syndrome; Hereditary neoplastic syndrome; Tumor predisposition; Neoplastic Syndromes, Hereditary. Identifiers: Orphanet 140162, MedGen C0027672, MeSH D009386, MONDO:0015356.
Hereditary nonpolyposis colorectal neoplasms. Identifiers: MedGen C0009405, MeSH D003123.
Mismatch repair cancer syndrome 1 (MMRCS1). Also called: BRAIN TUMOR-POLYPOSIS SYNDROME 1; BTP1 SYNDROME; CHILDHOOD CANCER SYNDROME; MISMATCH REPAIR DEFICIENCY; MMR DEFICIENCY. Identifiers: Orphanet 252202, MedGen C5399763, MONDO:0010159, OMIM 276300. Disease mechanism: loss of function.

Submissions (3):

Labcorp Genetics (formerly Invitae), Labcorp
Classification: Pathogenic for Hereditary nonpolyposis colorectal neoplasms. Last evaluated: 2024-05-21. Review status: criteria provided, single submitter. Criteria: Invitae Variant Classification Sherloc (09022015). Collection method: clinical testing. Allele origin: germline.
Comment: This sequence change affects a donor splice site in intron 3 of the PMS2 gene. It is expected to disrupt RNA splicing. Variants that disrupt the donor or acceptor splice site typically lead to a loss of protein function (PMID: 16199547), and loss-of-function variants in PMS2 are known to be pathogenic (PMID: 21376568, 24362816). This variant is not present in population databases (gnomAD no frequency). Disruption of this splice site has been observed in individuals with colorectal cancer (PMID: 31992580; Invitae). ClinVar contains an entry for this variant (Variation ID: 1792244). Algorithms developed to predict the effect of sequence changes on RNA splicing suggest that this variant may disrupt the consensus splice site. For these reasons, this variant has been classified as Pathogenic.

Department of Pathology and Laboratory Medicine, Sinai Health System
Classification: Likely pathogenic for mismatch repair cancer syndrome 1. Last evaluated: 2024-01-10. Review status: criteria provided, single submitter. Criteria: ACMG Guidelines, 2015. Collection method: clinical testing. Allele origin: germline.

Ambry Genetics
Classification: Likely pathogenic for Hereditary cancer-predisposing syndrome. Last evaluated: 2022-04-27. Review status: criteria provided, single submitter. Criteria: Ambry Variant Classification Scheme 2023. Collection method: clinical testing. Allele origin: germline.
Comment: The c.250+1G>C intronic variant results from a G to C substitution one nucleotide after coding exon 3 of the PMS2 gene. Alterations that disrupt the canonical splice site are expected to result in aberrant splicing. In silico splice site analysis predicts that this alteration will weaken the native splice donor site. The resulting transcript is predicted to be in-frame and is not expected to trigger nonsense-mediated mRNAdecay; however, direct evidence is unavailable. The exact functional effect of the altered amino acid sequence is unknown; however, the impacted region is critical for protein function (Ambry internal data). This variant is considered to be rare based on population cohorts in the Genome Aggregation Database (gnomAD). This nucleotide position is highly conserved in available vertebrate species. Based on the majority of available evidence to date, this variant is likely to be pathogenic.

Literature cited by the submitters: PubMed 16199547 (cited by Labcorp Genetics (formerly Invitae), Labcorp); PubMed 21376568 (cited by Labcorp Genetics (formerly Invitae), Labcorp); PubMed 24362816 (cited by Labcorp Genetics (formerly Invitae), Labcorp); PubMed 31992580 (cited by Labcorp Genetics (formerly Invitae), Labcorp).

NM_000535.7(PMS2):c.250+1G>C

Gene: PMS2 (PMS1 homolog 2, mismatch repair system component; minus strand). Cytogenetic location: 7p22.1.
Variant type: single nucleotide variant.
Coding change: c.250+1G>C on transcript NM_000535.7 (MANE Select); the canonical splice donor site of the intron after coding-DNA position 250, G replaced by C.
Molecular consequence: splice donor variant. On other transcripts: intron variant (1).
Genome position (GRCh38, 1-based): chr7:6,003,971, C>G on the plus strand (G>C on the coding strand, the complement: PMS2 is on the minus strand). VCF-style: chr7-6003971-C-G. GRCh37 (hg19) VCF-style: chr7-6043602-C-G.
Other names: c.35+1G>C (NM_001322008.2, NM_001406902.1, NM_001406883.1 and 4 more transcripts); c.-132+1G>C (NM_001406881.1, NM_001406900.1); c.-103+1G>C (NM_001406895.1, NM_001406904.1, NM_001406889.1 and 6 more transcripts); c.-156+1G>C (NM_001406911.1, NM_001322010.2, NM_001322004.2 and 13 more transcripts); c.-235+1G>C (NM_001406879.1, NM_001322015.2, NM_001406878.1 and 3 more transcripts); c.-635+1G>C (NM_001322012.2, NM_001322011.2); c.-52-1335G>C (NM_001406896.1); c.250+1G>C (NM_001406885.1, NM_001406886.1, NM_001406884.1 and 10 more transcripts); and 3 more.
Identifiers: ClinVar variation 1792244 (VCV001792244.5), dbSNP rs1785410333, ClinGen allele CA366744739.